The following is an entry in ClinVar:

ClinVar aggregate classification (germline): Uncertain significance (1 of 4 stars; one submission).

Conditions:
Agammaglobulinemia 8, autosomal dominant (AGM8A). Also called: AGAMMAGLOBULINEMIA, AUTOSOMAL DOMINANT, DUE TO TCF3 DEFECT; AGAMMAGLOBULINEMIA 8A, AUTOSOMAL DOMINANT. Identifiers: MedGen C4310786, MONDO:0014840, OMIM 616941.

gnomAD v4.1: 1 of 1,517,748 alleles (0.000066%); highest among the groups gnomAD compares: South Asian, 0.0013%; no homozygotes.

Submission:

Neuberg Centre For Genomic Medicine, NCGM
Classification: Uncertain significance for Agammaglobulinemia 8, autosomal dominant. Last evaluated: 2023-06-22. Review status: criteria provided, single submitter. Criteria: ACMG Guidelines, 2015. Collection method: clinical testing. Allele origin: germline. Inheritance: Autosomal dominant inheritance. Affected: yes.
Comment: The missense variant c.386A>C(p.Glu129Ala) in TCF3 gene has not been reported previously as a pathogenic variant nor as a benign variant, to our knowledge. The observed variant is absent in gnomAD exomes database. This variant has not been submitted to the ClinVar database. Multiple lines of computational evidence (Polyphen - probably damaging, SIFT - damaging and MutationTaster - disease causing) predict a damaging effect on protein structure and function for this variant. The reference amino acid change p.Glu129Ala in TCF3 is predicted as conserved by GERP++ and PhyloP across 100 vertebrates. The amino acid Glu at position 129 is changed to a Ala changing protein sequence and it might alter its composition and physico-chemical properties. For these reasons, this variant has been classified as Uncertain Significance (VUS).

NM_003200.5(TCF3):c.386A>C (p.Glu129Ala)

Gene: TCF3 (transcription factor 3; minus strand). Cytogenetic location: 19p13.3.
Variant type: single nucleotide variant.
Coding change: c.386A>C on transcript NM_003200.5 (MANE Select); coding-DNA position 386, A replaced by C.
Protein change: p.Glu129Ala; replaces glutamic acid 129 with alanine.
Molecular consequence: missense variant.
Genome position (GRCh38, 1-based): chr19:1,625,689, T>G on the plus strand (A>C on the coding strand, the complement: TCF3 is on the minus strand). VCF-style: chr19-1625689-T-G. GRCh37 (hg19) VCF-style: chr19-1625688-T-G.
Other names: c.386A>C, p.Glu129Ala (NM_001136139.4, NM_001351778.2, NM_001351779.2); short protein forms E129A.
Identifiers: ClinVar variation 3377684 (VCV003377684.1).